The following is an entry in ClinVar:

ClinVar aggregate classification (germline): Uncertain significance (1 of 4 stars; one submission).

Allele frequency attached by ClinVar (database versions not stated): gnomAD exomes below 0.00001.
gnomAD v4.1: 2 of 1,591,094 alleles (0.00013%); highest among the groups gnomAD compares: Non-Finnish European, 0.00017%; no homozygotes.

Submission:

Labcorp Genetics (formerly Invitae), Labcorp
Classification: Uncertain significance. Last evaluated: 2021-10-14. Review status: criteria provided, single submitter. Criteria: Invitae Variant Classification Sherloc (09022015). Collection method: clinical testing. Allele origin: germline.
Comment: This sequence change replaces alanine with proline at codon 89 of the RPIA protein (p.Ala89Pro). The alanine residue is highly conserved and there is a small physicochemical difference between alanine and proline. This variant is not present in population databases (ExAC no frequency). This variant has not been reported in the literature in individuals affected with RPIA-related conditions. Algorithms developed to predict the effect of missense changes on protein structure and function are either unavailable or do not agree on the potential impact of this missense change (SIFT: "Deleterious"; PolyPhen-2: "Probably Damaging"; Align-GVGD: "Class C0"). In summary, the available evidence is currently insufficient to determine the role of this variant in disease. Therefore, it has been classified as a Variant of Uncertain Significance.

NM_144563.3(RPIA):c.265G>C (p.Ala89Pro)

Gene: RPIA (ribose 5-phosphate isomerase A; plus strand). Cytogenetic location: 2p11.2.
Variant type: single nucleotide variant.
Coding change: c.265G>C on transcript NM_144563.3 (MANE Select); coding-DNA position 265, G replaced by C.
Protein change: p.Ala89Pro; replaces alanine 89 with proline.
Molecular consequence: missense variant.
Genome position (GRCh38, 1-based): chr2:88,691,963, G>C. VCF-style: chr2-88691963-G-C. GRCh37 (hg19) VCF-style: chr2-88991481-G-C.
Other names: short protein forms A89P.
Identifiers: ClinVar variation 1387044 (VCV001387044.6), dbSNP rs2104060766, ClinGen allele CA347764599.
Genomic context (GRCh38, chr2:88,691,963, plus strand): 5'-TGCCCGGCCCCCTCCACGATGTCCAAGGCCGAGGAGGCCAAGAAGCTGGCGGGCCGCGCG[G>C]CTGTGGAGAACCACGTGAGGGTGAGCACTTCGAAACGTGGGGCGCGGGGCGCATGTCCTT-3'
Protein context (NP_653164.2, residues 79-99): EEAKKLAGRA[Ala89Pro]VENHVRNNQV